The following is an entry in ClinVar:

ClinVar aggregate classification (germline): Conflicting classifications of pathogenicity. Review status: criteria provided, conflicting classifications (1 of 4 stars). 8 submissions from 8 submitters: Uncertain significance (7); Likely benign (1). Last evaluated 2026-01-20.

Conditions:
Hereditary cancer-predisposing syndrome. Also called: Neoplastic Syndromes, Hereditary; Hereditary Cancer Syndrome; Tumor predisposition; Hereditary neoplastic syndrome. Identifiers: Orphanet 140162, MedGen C0027672, MeSH D009386, MONDO:0015356.
Familial cancer of breast. Also called: BREAST CANCER, FAMILIAL; hereditary breast carcinoma; Hereditary breast cancer. Identifiers: Orphanet 227535, MedGen C0346153, MONDO:0016419, OMIM 114480. Disease mechanism: loss of function.
Ataxia-telangiectasia syndrome (AT). Also called: Ataxia-telangiectasia, complementation group D; AT, COMPLEMENTATION GROUP C; Ataxia-telangiectasia; ATAXIA-TELANGIECTASIA, COMPLEMENTATION GROUP A; ATAXIA-TELANGIECTASIA, FRESNO VARIANT; Ataxia-telangiectasia, complementation group E. Identifiers: Orphanet 100, MedGen C0004135, MONDO:0008840, OMIM 208900.

Allele frequency attached by ClinVar (database versions not stated): gnomAD exomes below 0.00001; ExAC 0.00001; gnomAD 0.00002; TOPMed 0.00002.
gnomAD v4.1: 8 of 1,614,006 alleles (0.0005%); highest among the groups gnomAD compares: African/African-American, 0.0013%; no homozygotes.

Submissions (8):

Labcorp Genetics (formerly Invitae), Labcorp
Classification: Uncertain significance for Ataxia-telangiectasia syndrome. Last evaluated: 2026-01-20. Review status: criteria provided, single submitter. Criteria: Invitae Variant Classification Sherloc (09022015). Collection method: clinical testing. Allele origin: germline.
Comment: This sequence change replaces lysine, which is basic and polar, with arginine, which is basic and polar, at codon 2710 of the ATM protein (p.Lys2710Arg). This variant is present in population databases (rs587782001, gnomAD 0.007%). This missense change has been observed in individual(s) with colorectal cancer (PMID: 27978560). ClinVar contains an entry for this variant (Variation ID: 141775). Invitae Evidence Modeling of protein sequence and biophysical properties (such as structural, functional, and spatial information, amino acid conservation, physicochemical variation, residue mobility, and thermodynamic stability) indicates that this missense variant is not expected to disrupt ATM protein function with a negative predictive value of 95%. In summary, the available evidence is currently insufficient to determine the role of this variant in disease. Therefore, it has been classified as a Variant of Uncertain Significance.

Ambry Genetics
Classification: Likely benign for Hereditary cancer-predisposing syndrome. Last evaluated: 2025-02-03. Review status: criteria provided, single submitter. Criteria: Ambry Variant Classification Scheme 2023. Collection method: clinical testing. Allele origin: germline.

Color Diagnostics, LLC DBA Color Health
Classification: Uncertain significance for Hereditary cancer-predisposing syndrome. Last evaluated: 2025-01-07. Review status: criteria provided, single submitter. Criteria: ACMG Guidelines, 2015. Collection method: clinical testing. Allele origin: germline.
Comment: This missense variant replaces lysine with arginine at codon 2710 of the ATM protein. Computational prediction suggests that this variant may not impact protein structure and function. To our knowledge, functional studies have not been reported for this variant. This variant has not been reported in individuals affected with ATM-related disorders in the literature. This variant has been identified in 1/251382 chromosomes in the general population by the Genome Aggregation Database (gnomAD). The available evidence is insufficient to determine the role of this variant in disease conclusively. Therefore, this variant is classified as a Variant of Uncertain Significance.

Baylor Genetics
Classification: Uncertain significance for Familial cancer of breast. Last evaluated: 2023-10-25. Review status: criteria provided, single submitter. Criteria: ACMG Guidelines, 2015. Collection method: clinical testing. Allele origin: unknown.

GeneDx
Classification: Uncertain significance. Last evaluated: 2023-10-04. Review status: criteria provided, single submitter. Criteria: GeneDx Variant Classification Process June 2021. Collection method: clinical testing. Allele origin: germline. Affected: yes.
Comment: Not observed at significant frequency in large population cohorts (gnomAD); In silico analysis supports that this missense variant does not alter protein structure/function; Observed in an individual with colorectal cancer (Pearlman et al., 2017); This variant is associated with the following publications: (PMID: 28492532, 29596542, 27978560)

Mayo Clinic Laboratories, Mayo Clinic
Classification: Uncertain significance. Last evaluated: 2023-02-06. Review status: criteria provided, single submitter. Criteria: ACMG Guidelines, 2015. Collection method: clinical testing. Allele origin: germline. Observed: 2 variant alleles.
Comment: BP4, PM2

Department of Pathology and Laboratory Medicine, Sinai Health System
Classification: Uncertain significance for Familial cancer of breast. Last evaluated: 2022-01-24. Review status: criteria provided, single submitter. Criteria: ACMG Guidelines, 2015. Collection method: clinical testing. Allele origin: germline. Affected: yes.

Fulgent Genetics
Classification: Uncertain significance for Familial cancer of breast; Ataxia-telangiectasia syndrome. Last evaluated: 2022-01-01. Review status: criteria provided, single submitter. Criteria: ACMG Guidelines, 2015. Collection method: clinical testing. Allele origin: unknown.

Literature cited by the submitters: PubMed 27978560 (cited by Labcorp Genetics (formerly Invitae), Labcorp and Ambry Genetics).

NM_000051.4(ATM):c.8129A>G (p.Lys2710Arg)

Genes: ATM (ATM serine/threonine kinase; plus strand), C11orf65 (chromosome 11 open reading frame 65; minus strand). Cytogenetic location: 11q22.3.
Variant type: single nucleotide variant.
Coding change: c.8129A>G on transcript NM_000051.4 (MANE Select); coding-DNA position 8129, A replaced by G.
Protein change: p.Lys2710Arg; replaces lysine 2710 with arginine.
Molecular consequence: missense variant. On other transcripts: intron variant (2).
Genome position (GRCh38, 1-based): chr11:108,335,087, A>G. VCF-style: chr11-108335087-A-G. GRCh37 (hg19) VCF-style: chr11-108205814-A-G.
Other names: p.Lys2710Arg; c.8129A>G, p.Lys2710Arg (NM_001351834.2); c.641-26016T>C (NM_001330368.2); c.*38+133T>C (NM_001351110.2); short protein forms K2710R.
Identifiers: ClinVar variation 141775 (VCV000141775.63), dbSNP rs587782001, ClinGen allele CA166386.